The following is an entry in ClinVar:

ClinVar aggregate classification (germline): Uncertain significance (1 of 4 stars; one submission).

Conditions:
Sialidosis type 2. Also called: NEURAMINIDASE DEFICIENCY; GLYCOPROTEIN NEURAMINIDASE DEFICIENCY; LIPOMUCOPOLYSACCHARIDOSIS; ML I; NEU DEFICIENCY; NEUG DEFICIENCY. Identifiers: Orphanet 812, Orphanet 87876, MedGen C4282398, MONDO:0009738, OMIM 256550.

Submission:

3billion
Classification: Uncertain significance for Sialidosis type 2. Last evaluated: 2025-05-22. Review status: criteria provided, single submitter. Criteria: ACMG Guidelines, 2015. Collection method: clinical testing. Allele origin: germline. Affected: yes.
Comment: The variant is not observed in the gnomAD v4.1.0 dataset. Predicted Consequence/Location: Missense variant In silico tool predictions suggest damaging effect of the variant on gene or gene product [REVEL: 0.82 (>=0.6, sensitivity 0.68 and specificity 0.92); 3Cnet: 0.97 (> 0.75, sensitivity 0.96 and precision 0.92)]. Therefore, this variant is classified as VUS according to the recommendation of ACMG/AMP guideline.

NM_000434.4(NEU1):c.994T>G (p.Phe332Val)

Gene: NEU1 (neuraminidase 1; minus strand). Cytogenetic location: 6p21.33.
Variant type: single nucleotide variant.
Coding change: c.994T>G on transcript NM_000434.4 (MANE Select); coding-DNA position 994, T replaced by G.
Protein change: p.Phe332Val; replaces phenylalanine 332 with valine.
Molecular consequence: missense variant.
Genome position (GRCh38, 1-based): chr6:31,860,069, A>C on the plus strand (T>G on the coding strand, the complement: NEU1 is on the minus strand). VCF-style: chr6-31860069-A-C. GRCh37 (hg19) VCF-style: chr6-31827846-A-C.
Other names: short protein forms F332V.
Identifiers: ClinVar variation 4292586 (VCV004292586.2).